The following is an entry in ClinVar:

NM_001364905.1(LRBA):c.5525T>C (p.Val1842Ala)

Gene: LRBA (LPS responsive beige-like anchor protein; minus strand). Cytogenetic location: 4q31.3.
Variant type: single nucleotide variant.
Coding change: c.5525T>C on transcript NM_001364905.1 (MANE Select); coding-DNA position 5525, T replaced by C.
Protein change: p.Val1842Ala; replaces valine 1842 with alanine.
Molecular consequence: missense variant.
Genome position (GRCh38, 1-based): chr4:150,798,136, A>G on the plus strand (T>C on the coding strand, the complement: LRBA is on the minus strand). VCF-style: chr4-150798136-A-G. GRCh37 (hg19) VCF-style: chr4-151719288-A-G.
Other names: c.5525T>C, p.Val1842Ala (NM_001199282.3, NM_001367550.1, NM_006726.5); short protein forms V1842A.
Identifiers: ClinVar variation 575259 (VCV000575259.8), dbSNP rs954969000, ClinGen allele CA108418640.

ClinVar aggregate classification (germline): Uncertain significance (1 of 4 stars; one submission).

Conditions:
Combined immunodeficiency due to LRBA deficiency. Also called: Common variable immunodeficiency 8, with autoimmunity. Identifiers: Orphanet 445018, MedGen C3553512, MONDO:0013863, OMIM 614700.

Allele frequency attached by ClinVar (database versions not stated): gnomAD 0.00001; TOPMed 0.00001.

Submission:

Labcorp Genetics (formerly Invitae), Labcorp
Classification: Uncertain significance for Combined immunodeficiency due to LRBA deficiency. Last evaluated: 2024-10-21. Review status: criteria provided, single submitter. Criteria: Invitae Variant Classification Sherloc (09022015). Collection method: clinical testing. Allele origin: germline.
Comment: This sequence change replaces valine, which is neutral and non-polar, with alanine, which is neutral and non-polar, at codon 1842 of the LRBA protein (p.Val1842Ala). This variant is not present in population databases (gnomAD no frequency). This variant has not been reported in the literature in individuals affected with LRBA-related conditions. ClinVar contains an entry for this variant (Variation ID: 575259). Invitae Evidence Modeling of protein sequence and biophysical properties (such as structural, functional, and spatial information, amino acid conservation, physicochemical variation, residue mobility, and thermodynamic stability) has been performed for this missense variant. However, the output from this modeling did not meet the statistical confidence thresholds required to predict the impact of this variant on LRBA protein function. In summary, the available evidence is currently insufficient to determine the role of this variant in disease. Therefore, it has been classified as a Variant of Uncertain Significance.